The following is an entry in ClinVar:

NM_000228.3(LAMB3):c.1194G>A (p.Gln398=)

Gene: LAMB3 (laminin subunit beta 3; minus strand). Cytogenetic location: 1q32.2.
Variant type: single nucleotide variant.
Coding change: c.1194G>A on transcript NM_000228.3 (MANE Select); coding-DNA position 1194, G replaced by A.
Protein change: p.Gln398=; no amino-acid change (glutamine 398 retained).
Molecular consequence: synonymous variant.
Genome position (GRCh38, 1-based): chr1:209,628,129, C>T on the plus strand (G>A on the coding strand, the complement: LAMB3 is on the minus strand). VCF-style: chr1-209628129-C-T. GRCh37 (hg19) VCF-style: chr1-209801474-C-T.
Other names: c.1194G>A, p.Gln398= (NM_001017402.2, NM_001127641.1).
Identifiers: ClinVar variation 728935 (VCV000728935.17), dbSNP rs116602483, ClinGen allele CA1375669.

ClinVar aggregate classification (germline): Benign/Likely benign. Review status: criteria provided, multiple submitters, no conflicts (2 of 4 stars). 4 submissions from 4 submitters: Benign (1); Likely benign (2). 1 of the submissions does not count toward it. Last evaluated 2026-01-17.

Conditions:
LAMB3-related disorder. Also called: LAMB3-related condition.
Junctional epidermolysis bullosa. Identifiers: Orphanet 305, MedGen C0079301, MONDO:0017612.

Allele frequency attached by ClinVar (database versions not stated): gnomAD 0.00102 and 0.00103; TOPMed 0.00111; 1000 Genomes Project 30x 0.00203; 1000 Genomes Project 0.00220; gnomAD exomes 0.00025 and 0.00032; ESP Exome Variant Server 0.00069; ExAC 0.00078.
gnomAD v4.1: 531 of 1,584,538 alleles (0.034%); highest among the groups gnomAD compares: African/African-American, 0.33%; no homozygotes.

Submissions (4):

Labcorp Genetics (formerly Invitae), Labcorp
Classification: Benign. Last evaluated: 2026-01-17. Review status: criteria provided, single submitter. Criteria: Invitae Variant Classification Sherloc (09022015). Collection method: clinical testing. Allele origin: germline.

Illumina Laboratory Services, Illumina
Classification: Likely benign for Junctional epidermolysis bullosa. Last evaluated: 2017-04-27. Review status: criteria provided, single submitter. Criteria: ICSL Variant Classification Criteria 13 December 2019. Collection method: clinical testing. Allele origin: germline.
Comment: This variant was observed as part of a predisposition screen in an ostensibly healthy population. A literature search was performed for the gene, cDNA change, and amino acid change (where applicable). No publications were found based on this search. Allele frequency data from public databases allowed determination this variant is unlikely to cause disease. Therefore, this variant is classified as likely benign.

Breakthrough Genomics
Classification: Likely benign. Review status: criteria provided, single submitter. Criteria: ACMG Guidelines, 2015. Collection method: not provided. Allele origin: germline. Inheritance: Autosomal recessive inheritance. Affected: yes.

PreventionGenetics, part of Exact Sciences
Classification: Likely benign for LAMB3-related condition. Last evaluated: 2019-06-26. Review status: no assertion criteria provided. Collection method: clinical testing. Allele origin: germline. Not counted in ClinVar's aggregate classification.
Comment: This variant is classified as likely benign based on ACMG/AMP sequence variant interpretation guidelines (Richards et al. 2015 PMID: 25741868, with internal and published modifications).